The following is an entry in ClinVar:

ClinVar aggregate classification (germline): Pathogenic. Review status: criteria provided, single submitter (1 of 4 stars). 2 submissions from 2 submitters: Pathogenic (1). 1 of the submissions does not count toward it. Last evaluated 2023-09-15.

Conditions:
Progressive pseudorheumatoid dysplasia (PPRD). Also called: Progressive Pseudorheumatoid Arthropathy of Childhood; SPONDYLOEPIPHYSEAL DYSPLASIA TARDA WITH PROGRESSIVE ARTHROPATHY. Identifiers: Orphanet 1159, MedGen C0432215, MONDO:0008827, OMIM 208230. Disease mechanism: loss of function.

Submissions (2):

Labcorp Genetics (formerly Invitae), Labcorp
Classification: Pathogenic. Last evaluated: 2023-09-15. Review status: criteria provided, single submitter. Criteria: Invitae Variant Classification Sherloc (09022015). Collection method: clinical testing. Allele origin: germline.
Comment: Advanced modeling of protein sequence and biophysical properties (such as structural, functional, and spatial information, amino acid conservation, physicochemical variation, residue mobility, and thermodynamic stability) performed at Invitae indicates that this missense variant is expected to disrupt WISP3 protein function. This sequence change replaces serine, which is neutral and polar, with proline, which is neutral and non-polar, at codon 334 of the WISP3 protein (p.Ser334Pro). This variant is not present in population databases (gnomAD no frequency). This missense change has been observed in individual(s) with progressive pseudorheumatoid dysplasia (PMID: 15631777, 22685593). In at least one individual the data is consistent with being in trans (on the opposite chromosome) from a pathogenic variant. It has also been observed to segregate with disease in related individuals. ClinVar contains an entry for this variant (Variation ID: 6388). For these reasons, this variant has been classified as Pathogenic.

OMIM
Classification: Pathogenic for PROGRESSIVE PSEUDORHEUMATOID ARTHROPATHY. Last evaluated: 2004-07-01. Review status: no assertion criteria provided. Collection method: literature only. Allele origin: germline. Not counted in ClinVar's aggregate classification.

Literature cited by the submitters: PubMed 15631777 (cited by Labcorp Genetics (formerly Invitae), Labcorp); PubMed 22685593 (cited by Labcorp Genetics (formerly Invitae), Labcorp); PubMed 15300987 (cited by OMIM).

NM_198239.2(CCN6):c.1000T>C (p.Ser334Pro)

Gene: CCN6 (cellular communication network factor 6; plus strand). Cytogenetic location: 6q21.
Variant type: single nucleotide variant.
Coding change: c.1000T>C on transcript NM_198239.2 (MANE Select); coding-DNA position 1000, T replaced by C.
Protein change: p.Ser334Pro; replaces serine 334 with proline.
Molecular consequence: missense variant. On other transcripts: non-coding transcript variant (2).
Genome position (GRCh38, 1-based): chr6:112,069,555, T>C. VCF-style: chr6-112069555-T-C. GRCh37 (hg19) VCF-style: chr6-112390758-T-C.
Other names: c.1000T>C, p.Ser334Pro (NM_003880.4); short protein forms S334P.
Identifiers: ClinVar variation 6388 (VCV000006388.7), dbSNP rs121908903, ClinGen allele CA118183.